The following is an entry in ClinVar:

ClinVar aggregate classification (germline): Uncertain significance (1 of 4 stars; one submission).

Conditions:
Perlman syndrome (PRLMNS). Identifiers: Orphanet 2849, MedGen C0796113, MONDO:0009965, OMIM 267000.

Allele frequency attached by ClinVar (database versions not stated): gnomAD exomes below 0.00001.
gnomAD v4.1: 1 of 1,614,078 alleles (0.000062%); highest among the groups gnomAD compares: Non-Finnish European, 0.000085%; no homozygotes.

Submission:

Labcorp Genetics (formerly Invitae), Labcorp
Classification: Uncertain significance for Perlman syndrome. Last evaluated: 2023-03-14. Review status: criteria provided, single submitter. Criteria: Invitae Variant Classification Sherloc (09022015). Collection method: clinical testing. Allele origin: germline.
Comment: In summary, the available evidence is currently insufficient to determine the role of this variant in disease. Therefore, it has been classified as a Variant of Uncertain Significance. An algorithm developed to predict the effect of missense changes on protein structure and function (PolyPhen-2) suggests that this variant is likely to be tolerated. ClinVar contains an entry for this variant (Variation ID: 660410). This variant has not been reported in the literature in individuals affected with DIS3L2-related conditions. This variant is present in population databases (no rsID available, gnomAD 0.0009%). This sequence change replaces asparagine, which is neutral and polar, with aspartic acid, which is acidic and polar, at codon 39 of the DIS3L2 protein (p.Asn39Asp).

NM_152383.5(DIS3L2):c.115A>G (p.Asn39Asp)

Gene: DIS3L2 (DIS3 like 3'-5' exoribonuclease 2; plus strand). Cytogenetic location: 2q37.1.
Variant type: single nucleotide variant.
Coding change: c.115A>G on transcript NM_152383.5 (MANE Select); coding-DNA position 115, A replaced by G.
Protein change: p.Asn39Asp; replaces asparagine 39 with aspartic acid.
Molecular consequence: missense variant. On other transcripts: non-coding transcript variant (2).
Genome position (GRCh38, 1-based): chr2:232,015,576, A>G. VCF-style: chr2-232015576-A-G. GRCh37 (hg19) VCF-style: chr2-232880286-A-G.
Other names: c.115A>G, p.Asn39Asp (NM_001257281.2, NM_001257282.2); short protein forms N39D.
Identifiers: ClinVar variation 660410 (VCV000660410.8), dbSNP rs1376481654, ClinGen allele CA351151929.
Genomic context (GRCh38, chr2:232,015,576, plus strand): 5'-GTGTCTGCTGTGGCTGGTCCACATGACATTGGTGCTTCGCCAGGTGACAAAAAGTCAAAG[A>G]ACAGGTCCACACGAGGGAAGAAAAAGAGCATATTTGAAACTTACATGTCCAAGGAGGATG-3'
Protein context (NP_689596.4, residues 29-49): GASPGDKKSK[Asn39Asp]RSTRGKKKSI